The following is an entry in ClinVar:

ClinVar aggregate classification (germline): Uncertain significance. Review status: criteria provided, multiple submitters, no conflicts (2 of 4 stars). 2 submissions from 2 submitters: Uncertain significance (2). Last evaluated 2024-08-31.

Conditions:
Adams-Oliver syndrome 5 (AOS5). Identifiers: Orphanet 974, MedGen C4014970, MONDO:0014459, OMIM 616028.
Familial thoracic aortic aneurysm and aortic dissection (TAAD). Also called: Thoracic aortic aneurysms and dissections. Identifiers: Orphanet 91387, MedGen C4707243, MONDO:0019625.

gnomAD v4.1: 6 of 1,581,648 alleles (0.00038%); highest among the groups gnomAD compares: East Asian, 0.014%; no homozygotes.

Submissions (2):

Labcorp Genetics (formerly Invitae), Labcorp
Classification: Uncertain significance for Adams-Oliver syndrome 5. Last evaluated: 2024-08-31. Review status: criteria provided, single submitter. Criteria: Invitae Variant Classification Sherloc (09022015). Collection method: clinical testing. Allele origin: germline.
Comment: This sequence change replaces glycine, which is neutral and non-polar, with aspartic acid, which is acidic and polar, at codon 1612 of the NOTCH1 protein (p.Gly1612Asp). The frequency data for this variant in the population databases is considered unreliable, as metrics indicate poor data quality at this position in the gnomAD database. This variant has not been reported in the literature in individuals affected with NOTCH1-related conditions. ClinVar contains an entry for this variant (Variation ID: 1329311). Invitae Evidence Modeling of protein sequence and biophysical properties (such as structural, functional, and spatial information, amino acid conservation, physicochemical variation, residue mobility, and thermodynamic stability) indicates that this missense variant is not expected to disrupt NOTCH1 protein function with a negative predictive value of 80%. In summary, the available evidence is currently insufficient to determine the role of this variant in disease. Therefore, it has been classified as a Variant of Uncertain Significance.

CHEO Genetics Diagnostic Laboratory, Children's Hospital of Eastern Ontario
Classification: Uncertain significance for Familial thoracic aortic aneurysm and aortic dissection. Last evaluated: 2019-05-16. Review status: criteria provided, single submitter. Criteria: ACMG Guidelines, 2015. Collection method: clinical testing. Allele origin: germline.

NM_017617.5(NOTCH1):c.4835G>A (p.Gly1612Asp)

Gene: NOTCH1 (notch receptor 1; minus strand). Cytogenetic location: 9q34.3.
Variant type: single nucleotide variant.
Coding change: c.4835G>A on transcript NM_017617.5 (MANE Select); coding-DNA position 4835, G replaced by A.
Protein change: p.Gly1612Asp; replaces glycine 1612 with aspartic acid.
Molecular consequence: missense variant.
Genome position (GRCh38, 1-based): chr9:136,504,856, C>T on the plus strand (G>A on the coding strand, the complement: NOTCH1 is on the minus strand). VCF-style: chr9-136504856-C-T. GRCh37 (hg19) VCF-style: chr9-139399308-C-T.
Other names: short protein forms G1612D.
Identifiers: ClinVar variation 1329311 (VCV001329311.4), dbSNP rs1223921509, ClinGen allele CA375644767.